The following is an entry in ClinVar:

ClinVar aggregate classification (germline): Uncertain significance (1 of 4 stars; one submission).

Submission:

Women's Health and Genetics/Laboratory Corporation of America, LabCorp
Classification: Uncertain significance. Last evaluated: 2025-01-06. Review status: criteria provided, single submitter. Criteria: LabCorp Variant Classification Summary - May 2015. Collection method: clinical testing. Allele origin: germline.
Comment: Variant summary: MYO15A c.6397A>C (p.Asn2133His) results in a conservative amino acid change located in the MyTH4 domain (IPR000857) of the encoded protein sequence. Four of five in-silico tools predict a damaging effect of the variant on protein function. The variant was absent in 248934 control chromosomes. The available data on variant occurrences in the general population are insufficient to allow any conclusion about variant significance. c.6397A>C has been reported in the literature in individuals affected with Autosomal Recessive Nonsyndromic Hearing Loss 3 (e.g., Ramzan_2023, Yan_2016). These reports do not provide unequivocal conclusions about association of the variant with Autosomal Recessive Nonsyndromic Hearing Loss 3. To our knowledge, no experimental evidence demonstrating an impact on protein function has been reported. The following publications have been ascertained in the context of this evaluation (PMID: 37217689, 27344577). No submitters have cited clinical-significance assessments for this variant to ClinVar. Based on the evidence outlined above, the variant was classified as uncertain significance.

Literature cited by the submitters: PubMed 27344577; PubMed 37217689.

NM_016239.4(MYO15A):c.6397A>C (p.Asn2133His)

Gene: MYO15A (myosin XVA; plus strand). Cytogenetic location: 17p11.2.
Variant type: single nucleotide variant.
Coding change: c.6397A>C on transcript NM_016239.4 (MANE Select); coding-DNA position 6397, A replaced by C.
Protein change: p.Asn2133His; replaces asparagine 2133 with histidine.
Molecular consequence: missense variant.
Genome position (GRCh38, 1-based): chr17:18,145,995, A>C. VCF-style: chr17-18145995-A-C. GRCh37 (hg19) VCF-style: chr17-18049309-A-C.
Other names: short protein forms N2133H.
Identifiers: ClinVar variation 3769268 (VCV003769268.2).